The following is an entry in ClinVar:

NM_007373.4(SHOC2):c.78G>A (p.Lys26=)

Gene: SHOC2 (SHOC2 leucine rich repeat scaffold protein; plus strand). Cytogenetic location: 10q25.2.
Variant type: single nucleotide variant.
Coding change: c.78G>A on transcript NM_007373.4 (MANE Select); coding-DNA position 78, G replaced by A.
Protein change: p.Lys26=; no amino-acid change (lysine 26 retained).
Molecular consequence: synonymous variant.
Genome position (GRCh38, 1-based): chr10:110,964,436, G>A. VCF-style: chr10-110964436-G-A. GRCh37 (hg19) VCF-style: chr10-112724194-G-A.
Other names: c.78G>A, p.Lys26= (NM_001269039.3, NM_001324336.2, NM_001324337.2).
Identifiers: ClinVar variation 1761127 (VCV001761127.3), dbSNP rs765714933, ClinGen allele CA5689551.

ClinVar aggregate classification (germline): Likely benign. Review status: criteria provided, single submitter (1 of 4 stars). 2 submissions from 2 submitters: Likely benign (1). 1 of the submissions does not count toward it. Last evaluated 2020-01-16.

Conditions:
SHOC2-related disorder. Also called: SHOC2-related condition.
Cardiovascular phenotype. Identifiers: MedGen CN230736.

Allele frequency attached by ClinVar (database versions not stated): gnomAD exomes below 0.00001; ExAC 0.00001; TOPMed 0.00001.
gnomAD v4.1: 3 of 1,613,270 alleles (0.00019%); highest among the groups gnomAD compares: East Asian, 0.0067%; no homozygotes.

Submissions (2):

Ambry Genetics
Classification: Likely benign for Cardiovascular phenotype. Last evaluated: 2020-01-16. Review status: criteria provided, single submitter. Criteria: Ambry Variant Classification Scheme 2023. Collection method: clinical testing. Allele origin: germline.

PreventionGenetics, part of Exact Sciences
Classification: Likely benign for SHOC2-related condition. Last evaluated: 2024-08-27. Review status: no assertion criteria provided. Collection method: clinical testing. Allele origin: germline. Not counted in ClinVar's aggregate classification.
Comment: This variant is classified as likely benign based on ACMG/AMP sequence variant interpretation guidelines (Richards et al. 2015 PMID: 25741868, with internal and published modifications).